The following is an entry in ClinVar:

ClinVar aggregate classification (germline): Uncertain significance (1 of 4 stars; one submission).

gnomAD v4.1: 1 of 1,613,338 alleles (0.000062%); highest among the groups gnomAD compares: Admixed American, 0.0017%; no homozygotes.

Submission:

Labcorp Genetics (formerly Invitae), Labcorp
Classification: Uncertain significance. Last evaluated: 2025-10-14. Review status: criteria provided, single submitter. Criteria: Invitae Variant Classification Sherloc (09022015). Collection method: clinical testing. Allele origin: germline.
Comment: This sequence change replaces leucine, which is neutral and non-polar, with valine, which is neutral and non-polar, at codon 602 of the ADGRA3 protein (p.Leu602Val). This variant is present in population databases (no rsID available, gnomAD 0.003%). This variant has not been reported in the literature in individuals affected with ADGRA3-related conditions. An algorithm developed to predict the effect of missense changes on protein structure and function (PolyPhen-2) suggests that this variant is likely to be tolerated. In summary, the available evidence is currently insufficient to determine the role of this variant in disease. Therefore, it has been classified as a Variant of Uncertain Significance.

NM_145290.4(ADGRA3):c.1804C>G (p.Leu602Val)

Gene: ADGRA3 (adhesion G protein-coupled receptor A3; minus strand). Cytogenetic location: 4p15.2.
Variant type: single nucleotide variant.
Coding change: c.1804C>G on transcript NM_145290.4 (MANE Select); coding-DNA position 1804, C replaced by G.
Protein change: p.Leu602Val; replaces leucine 602 with valine.
Molecular consequence: missense variant.
Genome position (GRCh38, 1-based): chr4:22,420,891, G>C on the plus strand (C>G on the coding strand, the complement: ADGRA3 is on the minus strand). VCF-style: chr4-22420891-G-C. GRCh37 (hg19) VCF-style: chr4-22422514-G-C.
Other names: short protein forms L602V.
Identifiers: ClinVar variation 4805274 (VCV004805274.1).